The following is an entry in ClinVar:

NM_001005361.3(DNM2):c.1128+6G>C

Gene: DNM2 (dynamin 2; plus strand). Cytogenetic location: 19p13.2.
Variant type: single nucleotide variant.
Coding change: c.1128+6G>C on transcript NM_001005361.3 (MANE Select); 6 bases into the intron after coding-DNA position 1128, G replaced by C.
Molecular consequence: intron variant.
Genome position (GRCh38, 1-based): chr19:10,793,861, G>C. VCF-style: chr19-10793861-G-C. GRCh37 (hg19) VCF-style: chr19-10904537-G-C.
Other names: c.1128+6G>C (NM_001005360.3, NM_001190716.2, NM_004945.4 and 1 more transcripts).
Identifiers: ClinVar variation 3634624 (VCV003634624.2).

ClinVar aggregate classification (germline): Uncertain significance (1 of 4 stars; one submission).

Conditions:
Charcot-Marie-Tooth disease dominant intermediate B (CMTDIB). Also called: CHARCOT-MARIE-TOOTH NEUROPATHY, DOMINANT INTERMEDIATE B; Charcot-Marie-Tooth disease dominant intermediate 1; CMT DI1; Charcot-Marie-Tooth disease dominant intermediate I. Identifiers: Orphanet 100044, Orphanet 228179, MedGen C1847902, MONDO:0011674, OMIM 606482.

gnomAD v4.1: 5 of 1,614,096 alleles (0.00031%); highest among the groups gnomAD compares: Middle Eastern, 0.017%; no homozygotes.

Submission:

Labcorp Genetics (formerly Invitae), Labcorp
Classification: Uncertain significance for Charcot-Marie-Tooth disease dominant intermediate B. Last evaluated: 2024-01-26. Review status: criteria provided, single submitter. Criteria: Invitae Variant Classification Sherloc (09022015). Collection method: clinical testing. Allele origin: germline.
Comment: This sequence change falls in intron 8 of the DNM2 gene. It does not directly change the encoded amino acid sequence of the DNM2 protein. It affects a nucleotide within the consensus splice site. This variant is present in population databases (no rsID available, gnomAD 0.006%). This variant has not been reported in the literature in individuals affected with DNM2-related conditions. Variants that disrupt the consensus splice site are a relatively common cause of aberrant splicing (PMID: 17576681, 9536098). Algorithms developed to predict the effect of sequence changes on RNA splicing suggest that this variant is not likely to affect RNA splicing. In summary, the available evidence is currently insufficient to determine the role of this variant in disease. Therefore, it has been classified as a Variant of Uncertain Significance.

Literature cited by the submitters: PubMed 17576681; PubMed 9536098.